The following is an entry in ClinVar:

NM_019109.5(ALG1):c.562C>A (p.Leu188Met)

Gene: ALG1 (ALG1 chitobiosyldiphosphodolichol beta-mannosyltransferase; plus strand). Cytogenetic location: 16p13.3.
Variant type: single nucleotide variant.
Coding change: c.562C>A on transcript NM_019109.5 (MANE Select); coding-DNA position 562, C replaced by A.
Protein change: p.Leu188Met; replaces leucine 188 with methionine.
Molecular consequence: missense variant.
Genome position (GRCh38, 1-based): chr16:5,077,467, C>A. VCF-style: chr16-5077467-C-A. GRCh37 (hg19) VCF-style: chr16-5127468-C-A.
Other names: c.229C>A, p.Leu77Met (NM_001330504.2); short protein forms L188M, L77M.
Identifiers: ClinVar variation 2135177 (VCV002135177.5), dbSNP rs2142712145, ClinGen allele CA394681272.

ClinVar aggregate classification (germline): Uncertain significance. Review status: criteria provided, multiple submitters, no conflicts (2 of 4 stars). 2 submissions from 2 submitters: Uncertain significance (2). Last evaluated 2024-01-20.

Conditions:
ALG1-congenital disorder of glycosylation. Also called: CDG Ik; ALG1-CDG; CONGENITAL DISORDER OF GLYCOSYLATION, TYPE Ik. Identifiers: Orphanet 79327, MedGen C2931005, MONDO:0012052, OMIM 608540.

Submissions (2):

Fulgent Genetics
Classification: Uncertain significance for ALG1-congenital disorder of glycosylation. Last evaluated: 2024-01-20. Review status: criteria provided, single submitter. Criteria: ACMG Guidelines, 2015. Collection method: clinical testing. Allele origin: germline.

Labcorp Genetics (formerly Invitae), Labcorp
Classification: Uncertain significance for ALG1-congenital disorder of glycosylation. Last evaluated: 2022-08-23. Review status: criteria provided, single submitter. Criteria: Invitae Variant Classification Sherloc (09022015). Collection method: clinical testing. Allele origin: germline.
Comment: In summary, the available evidence is currently insufficient to determine the role of this variant in disease. Therefore, it has been classified as a Variant of Uncertain Significance. Algorithms developed to predict the effect of missense changes on protein structure and function (SIFT, PolyPhen-2, Align-GVGD) all suggest that this variant is likely to be tolerated. This variant has not been reported in the literature in individuals affected with ALG1-related conditions. This variant is not present in population databases (gnomAD no frequency). This sequence change replaces leucine, which is neutral and non-polar, with methionine, which is neutral and non-polar, at codon 188 of the ALG1 protein (p.Leu188Met).